The following is an entry in ClinVar:

ClinVar aggregate classification (germline): Likely benign. Review status: criteria provided, multiple submitters, no conflicts (2 of 4 stars). 5 submissions from 5 submitters: Likely benign (4). 1 of the submissions does not count toward it. Last evaluated 2026-03-05.

Conditions:
Inborn genetic diseases. Identifiers: MedGen C0950123, MeSH D030342.
Progressive myoclonic epilepsy type 7. Identifiers: Orphanet 435438, MedGen C4015420, MONDO:0014521, OMIM 616187.

Allele frequency attached by ClinVar (database versions not stated): ExAC 0.00002; gnomAD exomes 0.00003 and 0.00005; ESP Exome Variant Server 0.00015; 1000 Genomes Project 0.00020; gnomAD 0.00025 and 0.00028; 1000 Genomes Project 30x 0.00031; TOPMed 0.00031.
gnomAD v4.1: 84 of 1,614,242 alleles (0.0052%); highest among the groups gnomAD compares: African/African-American, 0.1%; no homozygotes.

Submissions (5):

Women's Health and Genetics/Laboratory Corporation of America, LabCorp
Classification: Likely benign. Last evaluated: 2026-03-05. Review status: criteria provided, single submitter. Criteria: LabCorp Variant Classification Summary - May 2015. Collection method: clinical testing. Allele origin: germline.
Comment: Variant summary: KCNC1 c.677A>T (p.Asn226Ile) results in a non-conservative amino acid change in the encoded protein sequence. Algorithms developed to predict the effect of missense changes on protein structure and function are either unavailable or do not agree on the potential impact of this missense change. The variant allele was found at a frequency of 5.2e-05 in 1614242 control chromosomes, predominantly at a frequency of 0.001 within the African or African-American subpopulation in the gnomAD database. The observed variant frequency within African or African-American control individuals in the gnomAD database exceeds the estimated maximal expected allele frequency for disease-causing variants in KCNC1. To our knowledge, no occurrence of c.677A>T in individuals affected with KCNC1-related conditions and no experimental evidence demonstrating its impact on protein function have been reported. ClinVar contains an entry for this variant (Variation ID: 578014). Based on the evidence outlined above, the variant was classified as likely benign.

Labcorp Genetics (formerly Invitae), Labcorp
Classification: Likely benign for Progressive myoclonic epilepsy type 7. Last evaluated: 2025-11-09. Review status: criteria provided, single submitter. Criteria: Invitae Variant Classification Sherloc (09022015). Collection method: clinical testing. Allele origin: germline.

Blueprint Genetics
Classification: Likely benign. Last evaluated: 2024-10-18. Review status: criteria provided, single submitter. Criteria: ACMG Guidelines, 2015. Collection method: clinical testing. Allele origin: germline.

Ambry Genetics
Classification: Likely benign for Inborn genetic diseases. Last evaluated: 2022-12-02. Review status: criteria provided, single submitter. Criteria: Ambry Variant Classification Scheme 2023. Collection method: clinical testing. Allele origin: germline.

Department of Pathology and Laboratory Medicine, Sinai Health System
Classification: Likely benign. Review status: no assertion criteria provided. Collection method: clinical testing. Allele origin: unknown. Affected: yes. Study: The Canadian Open Genetics Repository (COGR). Not counted in ClinVar's aggregate classification.
Comment: The KCNC1 p.Asn226Ile variant was not identified in the literature nor was it identified in Cosmic or LOVD 3.0. The variant was identified in dbSNP (ID: rs73424032) and ClinVar (classified as a VUS by Invitae and as likely benign by Ambry Genetics). The variant was also identified in control databases in 19 of 282884 chromosomes at a frequency of 0.000067 (Genome Aggregation Database Feb 27, 2017). The variant was observed in the following populations: African in 17 of 24966 chromosomes (freq: 0.000681), Other in 1 of 7226 chromosomes (freq: 0.000138) and Latino in 1 of 35436 chromosomes (freq: 0.000028), while the variant was not observed in the Ashkenazi Jewish, East Asian, European (Finnish), European (non-Finnish) or South Asian populations. The p.Asn226 residue is not conserved in mammals and four out of five computational analyses (PolyPhen-2, SIFT, AlignGVGD, MutationTaster) do not suggest a high likelihood of impact to the protein; however, this information is not predictive enough to rule out pathogenicity. The variant occurs outside of the splicing consensus sequence and in silico or computational prediction software programs (SpliceSiteFinder, MaxEntScan, NNSPLICE, GeneSplicer) do not predict a difference in splicing. In summary, based on the above information the clinical significance of this variant cannot be determined with certainty at this time although we would lean towards a more benign role for this variant. This variant is classified as likely benign.

NM_001112741.2(KCNC1):c.677A>T (p.Asn226Ile)

Gene: KCNC1 (potassium voltage-gated channel subfamily C member 1; plus strand). Cytogenetic location: 11p15.1.
Variant type: single nucleotide variant.
Coding change: c.677A>T on transcript NM_001112741.2 (MANE Select); coding-DNA position 677, A replaced by T.
Protein change: p.Asn226Ile; replaces asparagine 226 with isoleucine.
Molecular consequence: missense variant.
Genome position (GRCh38, 1-based): chr11:17,771,771, A>T. VCF-style: chr11-17771771-A-T. GRCh37 (hg19) VCF-style: chr11-17793318-A-T.
Other names: c.677A>T, p.Asn226Ile (NM_004976.4); short protein forms N226I.
Identifiers: ClinVar variation 578014 (VCV000578014.19), dbSNP rs73424032, ClinGen allele CA5906714.